The following is an entry in ClinVar:

NM_025216.3(WNT10A):c.1034T>C (p.Phe345Ser)

Gene: WNT10A (Wnt family member 10A; plus strand). Cytogenetic location: 2q35.
Variant type: single nucleotide variant.
Coding change: c.1034T>C on transcript NM_025216.3 (MANE Select); coding-DNA position 1034, T replaced by C.
Protein change: p.Phe345Ser; replaces phenylalanine 345 with serine.
Molecular consequence: missense variant.
Genome position (GRCh38, 1-based): chr2:218,893,051, T>C. VCF-style: chr2-218893051-T-C. GRCh37 (hg19) VCF-style: chr2-219757773-T-C.
Other names: short protein forms F345S.
Identifiers: ClinVar variation 464178 (VCV000464178.10), dbSNP rs1553623335, ClinGen allele CA350590806.

ClinVar aggregate classification (germline): Conflicting classifications of pathogenicity. Review status: criteria provided, conflicting classifications (1 of 4 stars). 2 submissions from 2 submitters: Likely pathogenic (1); Uncertain significance (1). Last evaluated 2024-10-28.

Conditions:
Tooth agenesis, selective, 4 (STHAG4). Also called: SUCCEDANEOUS TEETH, AGENESIS OF; TOOTH AGENESIS, SELECTIVE, 4, WITH OR WITHOUT ECTODERMAL DYSPLASIA; LATERAL INCISORS, ABSENCE OF; LATERAL INCISORS, PEGGED OR MISSING. Identifiers: Orphanet 99798, MedGen C1835492, MONDO:0007881, OMIM 150400. Disease mechanism: loss of function.
Odonto-onycho-dermal dysplasia. Identifiers: Orphanet 2721, MedGen C0796093, MONDO:0009773, OMIM 257980.

Submissions (2):

Labcorp Genetics (formerly Invitae), Labcorp
Classification: Uncertain significance for Tooth agenesis, selective, 4; Odonto-onycho-dermal dysplasia. Last evaluated: 2024-10-28. Review status: criteria provided, single submitter. Criteria: Invitae Variant Classification Sherloc (09022015). Collection method: clinical testing. Allele origin: germline.
Comment: This sequence change replaces phenylalanine, which is neutral and non-polar, with serine, which is neutral and polar, at codon 345 of the WNT10A protein (p.Phe345Ser). This variant is not present in population databases (gnomAD no frequency). This missense change has been observed in individual(s) with clinical features of odontoonychodermal dysplasia (internal data). ClinVar contains an entry for this variant (Variation ID: 464178). Invitae Evidence Modeling of protein sequence and biophysical properties (such as structural, functional, and spatial information, amino acid conservation, physicochemical variation, residue mobility, and thermodynamic stability) indicates that this missense variant is expected to disrupt WNT10A protein function with a positive predictive value of 80%. This variant disrupts the p.Phe345 amino acid residue in WNT10A. Other variant(s) that disrupt this residue have been observed in individuals with WNT10A-related conditions (PMID: 28976000), which suggests that this may be a clinically significant amino acid residue. In summary, the available evidence is currently insufficient to determine the role of this variant in disease. Therefore, it has been classified as a Variant of Uncertain Significance.

GeneDx
Classification: Likely pathogenic. Last evaluated: 2023-06-13. Review status: criteria provided, single submitter. Criteria: GeneDx Variant Classification Process June 2021. Collection method: clinical testing. Allele origin: germline. Affected: yes.
Comment: In silico analysis supports that this missense variant has a deleterious effect on protein structure/function; Not observed at significant frequency in large population cohorts (gnomAD); This variant is associated with the following publications: (PMID: 36294409)

Literature cited by the submitters: PubMed 28976000 (cited by Labcorp Genetics (formerly Invitae), Labcorp).